The following is an entry in ClinVar:

NM_012062.5(DNM1L):c.1367G>A (p.Arg456Gln)

Gene: DNM1L (dynamin 1L; plus strand). Cytogenetic location: 12p11.21.
Variant type: single nucleotide variant.
Coding change: c.1367G>A on transcript NM_012062.5 (MANE Select); coding-DNA position 1367, G replaced by A.
Protein change: p.Arg456Gln; replaces arginine 456 with glutamine.
Molecular consequence: missense variant.
Genome position (GRCh38, 1-based): chr12:32,731,864, G>A. VCF-style: chr12-32731864-G-A. GRCh37 (hg19) VCF-style: chr12-32884798-G-A.
Other names: c.1367G>A, p.Arg456Gln (NM_001278463.2, NM_005690.5, NM_012063.4); c.1406G>A, p.Arg469Gln (NM_001278464.2, NM_001278465.2, NM_001330380.2); c.758G>A, p.Arg253Gln (NM_001278466.2); short protein forms R253Q, R456Q, R469Q.
Identifiers: ClinVar variation 4885749 (VCV004885749.2).

ClinVar aggregate classification (germline): Uncertain significance (1 of 4 stars; one submission).

gnomAD v4.1: 1 of 1,612,634 alleles (0.000062%); no homozygotes.

Submission:

Dasa
Classification: Uncertain significance. Last evaluated: 2026-01-30. Review status: criteria provided, single submitter. Criteria: DASA Assertion Criteria. Collection method: clinical testing. Allele origin: germline.
Comment: NM_012062.5(DNM1L):c.1367G>A (p.Arg456Gln) is a missense variant that results in the substitution of arginine with glutamine. This variant is rare in population databases. Computational prediction algorithms are consistent with a deleterious effect. The currently available literature and clinical evidence are not sufficient to establish a definitive association between this variant and the reported condition. Therefore, this variant is classified as a variant of uncertain significance.